The following is an entry in ClinVar:

NM_000492.4(CFTR):c.305T>C (p.Leu102Pro)

Gene: CFTR (CF transmembrane conductance regulator; plus strand). Cytogenetic location: 7q31.2.
Variant type: single nucleotide variant.
Coding change: c.305T>C on transcript NM_000492.4 (MANE Select); coding-DNA position 305, T replaced by C.
Protein change: p.Leu102Pro; replaces leucine 102 with proline.
Molecular consequence: missense variant.
Genome position (GRCh38, 1-based): chr7:117,530,930, T>C. VCF-style: chr7-117530930-T-C. GRCh37 (hg19) VCF-style: chr7-117170984-T-C.
Other names: short protein forms L102P.
Identifiers: ClinVar variation 53642 (VCV000053642.10), dbSNP rs397508490, ClinGen allele CA327031.
Genomic context (GRCh38, chr7:117,530,930, plus strand): 5'-TTAATTTCTCTGTTTTTCCCCTTTTGTAGGAAGTCACCAAAGCAGTACAGCCTCTCTTAC[T>C]GGGAAGAATCATAGCTTCCTATGACCCGGATAACAAGGAGGAACGCTCTATCGCGATTTA-3'
Protein context (NP_000483.3, residues 92-112): EVTKAVQPLL[Leu102Pro]GRIIASYDPD

ClinVar aggregate classification (germline): Likely pathogenic. Review status: criteria provided, multiple submitters, no conflicts (2 of 4 stars). 3 submissions from 3 submitters: Likely pathogenic (2). 1 of the submissions does not count toward it. Last evaluated 2025-03-14.

Conditions:
CFTR-related disorder (CFTR-RD). Also called: CFTR-related disorders; CFTR-related condition. Identifiers: MedGen C5924204, MONDO:7770004.
Cystic fibrosis (CF). Also called: MUCOVISCIDOSIS. Identifiers: Orphanet 586, MedGen C0010674, MONDO:0009061, OMIM 219700. Disease mechanism: loss of function.

Submissions (3):

Natera, Inc.
Classification: Likely pathogenic for CFTR-related disorders. Last evaluated: 2025-03-14. Review status: criteria provided, single submitter. Criteria: Natera Variant Classification Schema (03/2026). Collection method: clinical testing. Allele origin: germline.
Comment: The c.305T>C variant in CFTR is a missense variant predicted to cause substitution of leucine to proline at amino acid 102. This variant is rare in the general population with a frequency below the threshold expected for the associated phenotype(s). This variant has been observed in one or more individuals affected with the associated recessive disease, as either homozygous or compound heterozygous with a second variant (PMID: 21708286). Functional studies show that this variant may disrupt protein function (PMID: 21708286). Computational prediction algorithms indicate this variant is likely to affect gene or protein function. Given the available evidence, this variant is classified as Likely Pathogenic.

Labcorp Genetics (formerly Invitae), Labcorp
Classification: Likely pathogenic for Cystic fibrosis. Last evaluated: 2020-11-21. Review status: criteria provided, single submitter. Criteria: Invitae Variant Classification Sherloc (09022015). Collection method: clinical testing. Allele origin: germline.
Comment: In summary, the currently available evidence indicates that the variant is pathogenic, but additional data are needed to prove that conclusively. Therefore, this variant has been classified as Likely Pathogenic. Experimental studies have shown that this variant affects CFTR protein function (PMID: 21708286). This variant has been observed in individual(s) with cystic fibrosis (PMID: 21708286). In at least one individual the data is consistent with the variant being in trans (on the opposite chromosome) from a pathogenic variant. ClinVar contains an entry for this variant (Variation ID: 53642). This variant is not present in population databases (ExAC no frequency). This sequence change replaces leucine with proline at codon 102 of the CFTR protein (p.Leu102Pro). The leucine residue is highly conserved and there is a moderate physicochemical difference between leucine and proline.

ClinVar Staff, National Center for Biotechnology Information (NCBI)
No classification provided. Condition: CFTR-related disorders. Review status: no classification provided. Collection method: literature only. Allele origin: germline. Affected: yes. Not counted in ClinVar's aggregate classification.

Literature cited by the submitters: PubMed 21708286 (cited by 3 submitters).